The following is an entry in ClinVar:

ClinVar aggregate classification (germline): Likely pathogenic (1 of 4 stars; one submission).

Submission:

Labcorp Genetics (formerly Invitae), Labcorp
Classification: Likely pathogenic. Last evaluated: 2025-10-21. Review status: criteria provided, single submitter. Criteria: Invitae Variant Classification Sherloc (09022015). Collection method: clinical testing. Allele origin: germline.
Comment: This variant results in the deletion of part of exon 3 (c.68-111_116delins29) of the CDH23 gene. It is expected to disrupt RNA splicing. Variants that disrupt the donor or acceptor splice site typically lead to a loss of protein function (PMID: 16199547), and loss-of-function variants in CDH23 are known to be pathogenic (PMID: 11138009, 21940737). This variant is not present in population databases (gnomAD no frequency). This variant has not been reported in the literature in individuals affected with CDH23-related conditions. In summary, the currently available evidence indicates that the variant is pathogenic, but additional data are needed to prove that conclusively. Therefore, this variant has been classified as Likely Pathogenic.

Literature cited by the submitters: PubMed 16199547; PubMed 11138009; PubMed 21940737.

NM_022124.6(CDH23):c.68-111_116delinsAAATGATTCCAAAATGCCTTTTGGAATGT

Gene: CDH23 (cadherin related 23; plus strand). Cytogenetic location: 10q22.1.
Variant type: Indel.
Coding change: c.68-111_116delinsAAATGATTCCAAAATGCCTTTTGGAATGT on transcript NM_022124.6 (MANE Select); 111 bases into the intron before coding-DNA position 68 through coding-DNA position 116, the reference bases replaced by AAATGATTCCAAAATGCCTTTTGGAATGT.
Molecular consequence: splice acceptor variant.
Genome position (GRCh38, 1-based): chr10:71,446,207-71,446,366, 160 bases replaced. GRCh37 (hg19): chr10:73,205,964-73,206,123.
Other names: c.68-111_116delinsAAATGATTCCAAAATGCCTTTTGGAATGT (NM_001171930.2, NM_001171931.2, NM_052836.4 and 1 more transcripts).
Identifiers: ClinVar variation 4726712 (VCV004726712.1).